The following is an entry in ClinVar:

NM_001372.4(DNAH9):c.8305A>C (p.Met2769Leu)

Gene: DNAH9 (dynein axonemal heavy chain 9; plus strand). Cytogenetic location: 17p12.
Variant type: single nucleotide variant.
Coding change: c.8305A>C on transcript NM_001372.4 (MANE Select); coding-DNA position 8305, A replaced by C.
Protein change: p.Met2769Leu; replaces methionine 2769 with leucine.
Molecular consequence: missense variant.
Genome position (GRCh38, 1-based): chr17:11,797,678, A>C. VCF-style: chr17-11797678-A-C. GRCh37 (hg19) VCF-style: chr17-11700995-A-C.
Other names: short protein forms M2769L.
Identifiers: ClinVar variation 1494349 (VCV001494349.5), dbSNP rs1363033739, ClinGen allele CA398196086.

ClinVar aggregate classification (germline): Uncertain significance (1 of 4 stars; one submission).

Allele frequency attached by ClinVar (database versions not stated): TOPMed below 0.00001; gnomAD 0.00001.
gnomAD v4.1: 5 of 1,614,104 alleles (0.00031%); highest among the groups gnomAD compares: Non-Finnish European, 0.00025%; no homozygotes.

Submission:

Labcorp Genetics (formerly Invitae), Labcorp
Classification: Uncertain significance. Last evaluated: 2021-09-24. Review status: criteria provided, single submitter. Criteria: Invitae Variant Classification Sherloc (09022015). Collection method: clinical testing. Allele origin: germline.
Comment: This sequence change replaces methionine with leucine at codon 2769 of the DNAH9 protein (p.Met2769Leu). The methionine residue is moderately conserved and there is a small physicochemical difference between methionine and leucine. This variant is not present in population databases (ExAC no frequency). This variant has not been reported in the literature in individuals affected with DNAH9-related conditions. Algorithms developed to predict the effect of missense changes on protein structure and function are either unavailable or do not agree on the potential impact of this missense change (SIFT: "Deleterious"; PolyPhen-2: "Benign"; Align-GVGD: "Class C0"). In summary, the available evidence is currently insufficient to determine the role of this variant in disease. Therefore, it has been classified as a Variant of Uncertain Significance.